The following is an entry in ClinVar:

ClinVar aggregate classification (germline): Uncertain significance (1 of 4 stars; one submission).

gnomAD v4.1: 1 of 1,612,870 alleles (0.000062%); highest among the groups gnomAD compares: Admixed American, 0.0017%; no homozygotes.

Submission:

Labcorp Genetics (formerly Invitae), Labcorp
Classification: Uncertain significance. Last evaluated: 2022-02-25. Review status: criteria provided, single submitter. Criteria: Invitae Variant Classification Sherloc (09022015). Collection method: clinical testing. Allele origin: germline.
Comment: This sequence change replaces isoleucine, which is neutral and non-polar, with methionine, which is neutral and non-polar, at codon 508 of the POC5 protein (p.Ile508Met). In summary, the available evidence is currently insufficient to determine the role of this variant in disease. Therefore, it has been classified as a Variant of Uncertain Significance. Algorithms developed to predict the effect of missense changes on protein structure and function are either unavailable or do not agree on the potential impact of this missense change (SIFT: "Not Available"; PolyPhen-2: "Probably Damaging"; Align-GVGD: "Not Available"). This variant has not been reported in the literature in individuals affected with POC5-related conditions. This variant is not present in population databases (gnomAD no frequency).

NM_001099271.2(POC5):c.1524A>G (p.Ile508Met)

Gene: POC5 (POC5 centriolar protein; minus strand). Cytogenetic location: 5q13.3.
Variant type: single nucleotide variant.
Coding change: c.1524A>G on transcript NM_001099271.2 (MANE Select); coding-DNA position 1524, A replaced by G.
Protein change: p.Ile508Met; replaces isoleucine 508 with methionine.
Molecular consequence: missense variant.
Genome position (GRCh38, 1-based): chr5:75,677,834, T>C on the plus strand (A>G on the coding strand, the complement: POC5 is on the minus strand). VCF-style: chr5-75677834-T-C. GRCh37 (hg19) VCF-style: chr5-74973659-T-C.
Other names: c.1449A>G, p.Ile483Met (NM_152408.3); short protein forms I483M, I508M.
Identifiers: ClinVar variation 1414467 (VCV001414467.6), dbSNP rs1208360656, ClinGen allele CA360143018.